The following is an entry in ClinVar:

NM_003242.6(TGFBR2):c.454+3G>A

Gene: TGFBR2 (transforming growth factor beta receptor 2; plus strand). Cytogenetic location: 3p24.1.
Variant type: single nucleotide variant.
Coding change: c.454+3G>A on transcript NM_003242.6 (MANE Select); 3 bases into the intron after coding-DNA position 454, G replaced by A.
Molecular consequence: intron variant.
Genome position (GRCh38, 1-based): chr3:30,650,463, G>A. VCF-style: chr3-30650463-G-A. GRCh37 (hg19) VCF-style: chr3-30691955-G-A.
Other names: c.349+3G>A (NM_001407129.1, NM_001407132.1, NM_001407136.1 and 3 more transcripts); c.529+3G>A (NM_001407126.1, NM_001024847.3, NM_001407139.1); c.170-21175G>A (NM_001407137.1); c.454+3G>A (NM_001407127.1, NM_001407130.1); c.95-21175G>A (NM_001407138.1); c.481+3G>A (NM_001407128.1).
Identifiers: ClinVar variation 1056170 (VCV001056170.12), dbSNP rs2125410813, ClinGen allele CA2499216650.

ClinVar aggregate classification (germline): Uncertain significance. Review status: criteria provided, multiple submitters, no conflicts (2 of 4 stars). 6 submissions from 6 submitters: Uncertain significance (6). Last evaluated 2026-01-24.

Conditions:
Familial thoracic aortic aneurysm and aortic dissection (TAAD). Also called: Thoracic aortic aneurysms and dissections. Identifiers: Orphanet 91387, MedGen C4707243, MONDO:0019625.
Loeys-Dietz syndrome 2 (LDS2). Also called: Marfan Syndrome type 2; Marfan like connective tissue disorder; MFS 2; TGFBR2-Related Loeys-Dietz Syndrome; AORTIC ANEURYSM, FAMILIAL THORACIC 3; MARFAN SYNDROME, TYPE II. Identifiers: Orphanet 284973, Orphanet 558, MedGen C2674574, MONDO:0012427, OMIM 610168.

gnomAD v4.1: 14 of 1,613,914 alleles (0.00087%); highest among the groups gnomAD compares: Non-Finnish European, 0.001%; no homozygotes.

Submissions (6):

Labcorp Genetics (formerly Invitae), Labcorp
Classification: Uncertain significance for Familial thoracic aortic aneurysm and aortic dissection. Last evaluated: 2026-01-24. Review status: criteria provided, single submitter. Criteria: Invitae Variant Classification Sherloc (09022015). Collection method: clinical testing. Allele origin: germline.
Comment: This sequence change falls in intron 3 of the TGFBR2 gene. It does not directly change the encoded amino acid sequence of the TGFBR2 protein. It affects a nucleotide within the consensus splice site. This variant is not present in population databases (gnomAD no frequency). This variant has not been reported in the literature in individuals affected with TGFBR2-related conditions. ClinVar contains an entry for this variant (Variation ID: 1056170). Variants that disrupt the consensus splice site are a relatively common cause of aberrant splicing (PMID: 17576681, 9536098). Algorithms developed to predict the effect of sequence changes on RNA splicing suggest that this variant is not likely to affect RNA splicing. In summary, the available evidence is currently insufficient to determine the role of this variant in disease. Therefore, it has been classified as a Variant of Uncertain Significance.

Color Diagnostics, LLC DBA Color Health
Classification: Uncertain significance for Familial thoracic aortic aneurysm and aortic dissection. Last evaluated: 2025-09-04. Review status: criteria provided, single submitter. Criteria: ACMG Guidelines, 2015. Collection method: clinical testing. Allele origin: germline.
Comment: This variant causes a G to A nucleotide substitution at the +3 position of intron 3 of the TGFBR2 gene. To our knowledge, functional studies have not been reported for this variant. This variant has not been reported in individuals affected with TGFBR2-related disorders in the literature. This variant has not been identified in the general population by the Genome Aggregation Database (gnomAD). The available evidence is insufficient to determine the role of this variant in disease conclusively. Therefore, this variant is classified as a Variant of Uncertain Significance.

ARUP Laboratories, Molecular Genetics and Genomics, ARUP Laboratories
Classification: Uncertain significance. Last evaluated: 2025-04-09. Review status: criteria provided, single submitter. Criteria: ARUP Molecular Germline Variant Investigation Process 2024. Collection method: clinical testing. Allele origin: germline.
Comment: The TGFBR2 c.454+3G>A variant (rs2125410813), to our knowledge, is not reported in the medical literature but is reported in ClinVar (Variation ID: 1056170). This variant is absent from the Genome Aggregation Database (v2.1.1), indicating it is not a common polymorphism. This is an intronic variant and computational analyses (Alamut Visual Plus v.1.12) predict that this variant does not alter splicing. However, since this variant is located within the minimal splice region, the clinical significance of this variant is uncertain at this time.

All of Us Research Program, National Institutes of Health
Classification: Uncertain significance for Loeys-Dietz syndrome 2. Last evaluated: 2023-05-08. Review status: criteria provided, single submitter. Criteria: ACMG Guidelines, 2015. Collection method: clinical testing. Allele origin: germline. Inheritance: Autosomal dominant inheritance. Observed: 2 variant alleles, 2 heterozygotes.
Comment: This variant causes a G to A nucleotide substitution at the +3 position of intron 3 of the TGFBR2 gene. To our knowledge, functional studies have not been reported for this variant. This variant has not been reported in individuals affected with cardiovascular disorders in the literature. This variant has not been identified in the general population by the Genome Aggregation Database (gnomAD). The available evidence is insufficient to determine the role of this variant in disease conclusively. Therefore, this variant is classified as a Variant of Uncertain Significance.

This study involves interpretation of variants in research participants for the purpose of population health screening. Participant phenotype was not available at the time of variant classification. Additional details can be found in publication PMID: 35346344, PMCID: PMC8962531

Ambry Genetics
Classification: Uncertain significance for Familial thoracic aortic aneurysm and aortic dissection. Last evaluated: 2022-04-26. Review status: criteria provided, single submitter. Criteria: Ambry Variant Classification Scheme 2023. Collection method: clinical testing. Allele origin: germline.
Comment: The c.454+3G>A intronic variant results from a G to A substitution 3 nucleotides after coding exon 3 in the TGFBR2 gene. This nucleotide position is not well conserved in available vertebrate species. In silico splice site analysis predicts that this alteration will not have any significant effect on splicing. Since supporting evidence is limited at this time, the clinical significance of this alteration remains unclear.

CHEO Genetics Diagnostic Laboratory, Children's Hospital of Eastern Ontario
Classification: Uncertain significance for Familial thoracic aortic aneurysm and aortic dissection. Last evaluated: 2021-11-02. Review status: criteria provided, single submitter. Criteria: ACMG Guidelines, 2015. Collection method: clinical testing. Allele origin: germline.

Literature cited by the submitters: PubMed 17576681 (cited by Labcorp Genetics (formerly Invitae), Labcorp); PubMed 9536098 (cited by Labcorp Genetics (formerly Invitae), Labcorp).